The following is an entry in ClinVar:

NM_001127649.3(PEX26):c.352C>G (p.Pro118Ala)

Gene: PEX26 (peroxisomal biogenesis factor 26; plus strand). Cytogenetic location: 22q11.21.
Variant type: single nucleotide variant.
Coding change: c.352C>G on transcript NM_001127649.3 (MANE Select); coding-DNA position 352, C replaced by G.
Protein change: p.Pro118Ala; replaces proline 118 with alanine.
Molecular consequence: missense variant.
Genome position (GRCh38, 1-based): chr22:18,079,995, C>G. VCF-style: chr22-18079995-C-G. GRCh37 (hg19) VCF-style: chr22-18562761-C-G.
Other names: c.352C>G, p.Pro118Ala (NM_001199319.2, NM_017929.6); c.352C>G (NM_017929.5); short protein forms P118A.
Identifiers: ClinVar variation 1451044 (VCV001451044.6), dbSNP rs1196346206, ClinGen allele CA410265922.

ClinVar aggregate classification (germline): Uncertain significance. Review status: criteria provided, multiple submitters, no conflicts (2 of 4 stars). 2 submissions from 2 submitters: Uncertain significance (2). Last evaluated 2024-12-02.

Conditions:
Peroxisome biogenesis disorder 7A (Zellweger). Also called: Peroxisome biogenesis disorder 7A. Identifiers: Orphanet 912, MedGen C3888385, MONDO:0013938, OMIM 614872.
Peroxisome biogenesis disorder 7B (PBD7B). Identifiers: Orphanet 44, MedGen C3553951, MONDO:0013939, OMIM 614873.
PEX26-related disorder. Also called: PEX26-related condition.

Allele frequency attached by ClinVar (database versions not stated): gnomAD exomes below 0.00001; TOPMed 0.00001.
gnomAD v4.1: 12 of 1,614,054 alleles (0.00074%); highest among the groups gnomAD compares: Non-Finnish European, 0.00085%; no homozygotes.

Submissions (2):

Labcorp Genetics (formerly Invitae), Labcorp
Classification: Uncertain significance for Peroxisome biogenesis disorder 7A (Zellweger); Peroxisome biogenesis disorder 7B. Last evaluated: 2024-12-02. Review status: criteria provided, single submitter. Criteria: Invitae Variant Classification Sherloc (09022015). Collection method: clinical testing. Allele origin: germline.
Comment: This sequence change replaces proline, which is neutral and non-polar, with alanine, which is neutral and non-polar, at codon 118 of the PEX26 protein (p.Pro118Ala). This variant is present in population databases (no rsID available, gnomAD 0.0009%). This variant has not been reported in the literature in individuals affected with PEX26-related conditions. ClinVar contains an entry for this variant (Variation ID: 1451044). Invitae Evidence Modeling of protein sequence and biophysical properties (such as structural, functional, and spatial information, amino acid conservation, physicochemical variation, residue mobility, and thermodynamic stability) has been performed for this missense variant. However, the output from this modeling did not meet the statistical confidence thresholds required to predict the impact of this variant on PEX26 protein function. In summary, the available evidence is currently insufficient to determine the role of this variant in disease. Therefore, it has been classified as a Variant of Uncertain Significance.

PreventionGenetics, part of Exact Sciences
Classification: Uncertain significance for PEX26-related condition. Last evaluated: 2023-04-25. Review status: criteria provided, single submitter. Criteria: ACMG Guidelines, 2015. Collection method: clinical testing. Allele origin: germline.
Comment: The PEX26 c.352C>G variant is predicted to result in the amino acid substitution p.Pro118Ala. To our knowledge, this variant has not been reported in the literature. This variant is reported in 0.00088% of alleles in individuals of European (Non-Finnish) descent in gnomAD. At this time, the clinical significance of this variant is uncertain due to the absence of conclusive functional and genetic evidence.